The following is an entry in ClinVar:

ClinVar aggregate classification (germline): Uncertain significance (1 of 4 stars; one submission).

Conditions:
Hereditary cancer-predisposing syndrome. Also called: Neoplastic Syndromes, Hereditary; Tumor predisposition; Hereditary neoplastic syndrome; Hereditary Cancer Syndrome. Identifiers: Orphanet 140162, MedGen C0027672, MeSH D009386, MONDO:0015356.

Submission:

Ambry Genetics
Classification: Uncertain significance for Hereditary cancer-predisposing syndrome. Last evaluated: 2026-07-02. Review status: criteria provided, single submitter. Criteria: Ambry Variant Classification Scheme 2023. Collection method: clinical testing. Allele origin: germline.
Comment: The p.R1025I variant (also known as c.3074G>T), located in coding exon 20 of the RAD50 gene, results from a G to T substitution at nucleotide position 3074. The arginine at codon 1025 is replaced by isoleucine, an amino acid with similar properties. This amino acid position is conserved. In addition, the in silico prediction for this alteration is inconclusive. Based on the available evidence, the clinical significance of this variant remains unclear.

NM_005732.4(RAD50):c.3074G>T (p.Arg1025Ile)

Gene: RAD50 (RAD50 double strand break repair protein; plus strand). Cytogenetic location: 5q31.1.
Variant type: single nucleotide variant.
Coding change: c.3074G>T on transcript NM_005732.4 (MANE Select); coding-DNA position 3074, G replaced by T.
Protein change: p.Arg1025Ile; replaces arginine 1025 with isoleucine.
Molecular consequence: missense variant.
Genome position (GRCh38, 1-based): chr5:132,616,040, G>T. VCF-style: chr5-132616040-G-T. GRCh37 (hg19) VCF-style: chr5-131951732-G-T.
Other names: short protein forms R1025I.
Identifiers: ClinVar variation 5027711 (VCV005027711.1).